The following is an entry in ClinVar:

NM_198407.2(GHSR):c.14C>A (p.Thr5Lys)

Gene: GHSR (growth hormone secretagogue receptor; minus strand). Cytogenetic location: 3q26.31.
Variant type: single nucleotide variant.
Coding change: c.14C>A on transcript NM_198407.2 (MANE Select); coding-DNA position 14, C replaced by A.
Protein change: p.Thr5Lys; replaces threonine 5 with lysine.
Molecular consequence: missense variant.
Genome position (GRCh38, 1-based): chr3:172,448,400, G>T on the plus strand (C>A on the coding strand, the complement: GHSR is on the minus strand). VCF-style: chr3-172448400-G-T. GRCh37 (hg19) VCF-style: chr3-172166190-G-T.
Other names: c.14C>A, p.Thr5Lys (NM_004122.2); short protein forms T5K.
Identifiers: ClinVar variation 2721689 (VCV002721689.3), dbSNP rs144006748, ClinGen allele CA2706555.

ClinVar aggregate classification (germline): Uncertain significance (1 of 4 stars; one submission).

Allele frequency attached by ClinVar (database versions not stated): gnomAD 0.00001; TOPMed 0.00002; ExAC 0.00008; ESP Exome Variant Server 0.00008.

Submission:

Labcorp Genetics (formerly Invitae), Labcorp
Classification: Uncertain significance. Last evaluated: 2023-07-07. Review status: criteria provided, single submitter. Criteria: Invitae Variant Classification Sherloc (09022015). Collection method: clinical testing. Allele origin: germline.
Comment: This sequence change replaces threonine, which is neutral and polar, with lysine, which is basic and polar, at codon 5 of the GHSR protein (p.Thr5Lys). In summary, the available evidence is currently insufficient to determine the role of this variant in disease. Therefore, it has been classified as a Variant of Uncertain Significance. An algorithm developed to predict the effect of missense changes on protein structure and function (PolyPhen-2) suggests that this variant is likely to be tolerated. This variant has not been reported in the literature in individuals affected with GHSR-related conditions. This variant is present in population databases (rs144006748, gnomAD 0.03%).